The following is an entry in ClinVar:

NM_003611.3(OFD1):c.889A>G (p.Arg297Gly)

Gene: OFD1 (OFD1 centriole and centriolar satellite protein; plus strand). Cytogenetic location: Xp22.2.
Variant type: single nucleotide variant.
Coding change: c.889A>G on transcript NM_003611.3 (MANE Select); coding-DNA position 889, A replaced by G.
Protein change: p.Arg297Gly; replaces arginine 297 with glycine.
Molecular consequence: missense variant.
Genome position (GRCh38, 1-based): chrX:13,749,487, A>G. VCF-style: chrX-13749487-A-G. GRCh37 (hg19) VCF-style: chrX-13767606-A-G.
Other names: c.889A>G, p.Arg297Gly (NM_001330209.2); c.469A>G, p.Arg157Gly (NM_001330210.2); short protein forms R157G, R297G.
Identifiers: ClinVar variation 1306231 (VCV001306231.2), dbSNP rs2146984200, ClinGen allele CA412338923.

ClinVar aggregate classification (germline): Uncertain significance (1 of 4 stars; one submission).

Submission:

GeneDx
Classification: Uncertain significance. Last evaluated: 2019-05-31. Review status: criteria provided, single submitter. Criteria: GeneDx Variant Classification Process June 2021. Collection method: clinical testing. Allele origin: germline. Affected: yes.
Comment: Not observed in large population cohorts (Lek et al., 2016); In silico analysis, which includes protein predictors and evolutionary conservation, supports a deleterious effect; Has not been previously published as pathogenic or benign to our knowledge